The following is an entry in ClinVar:

NM_004456.5(EZH2):c.638G>A (p.Arg213His)

Gene: EZH2 (enhancer of zeste 2 polycomb repressive complex 2 subunit; minus strand). Cytogenetic location: 7q36.1.
Variant type: single nucleotide variant.
Coding change: c.638G>A on transcript NM_004456.5 (MANE Select); coding-DNA position 638, G replaced by A.
Protein change: p.Arg213His; replaces arginine 213 with histidine.
Molecular consequence: missense variant.
Genome position (GRCh38, 1-based): chr7:148,827,254, C>T on the plus strand (G>A on the coding strand, the complement: EZH2 is on the minus strand). VCF-style: chr7-148827254-C-T. GRCh37 (hg19) VCF-style: chr7-148524346-C-T.
Other names: c.638G>A, p.Arg213His (NM_001203247.2); c.611G>A, p.Arg204His (NM_001203248.2, NM_001203249.2); c.521G>A, p.Arg174His (NM_152998.3); short protein forms R213H, R174H, R204H.
Identifiers: ClinVar variation 449269 (VCV000449269.17), dbSNP rs377467108, ClinGen allele CA4548058.
Genomic context (GRCh38, chr7:148,827,254, plus strand): 5'-TCTGGAAACATTGAGGAAATGGCTTCAAAAATTTTATCAGAAGGAAATTTCCGAGGTGGG[C>T]GGCTTTCTTTATCTAAACAGGAGAATATGAAAGGAAAAAAAGAATGGAAGTAAACAAGTT-3'
Protein context (NP_004447.2, residues 203-223): LEDHRDDKES[Arg213His]PPRKFPSDKI

ClinVar aggregate classification (germline): Likely benign. Review status: criteria provided, multiple submitters, no conflicts (2 of 4 stars). 4 submissions from 4 submitters: Likely benign (3). 1 of the submissions does not count toward it. Last evaluated 2025-12-03.

Conditions:
EZH2-related disorder.
Weaver syndrome (WVS). Also called: Weaver Smith syndrome; Overgrowth syndrome with accelerated skeletal maturation, unusual facies, and camptodactyly. Identifiers: Orphanet 3447, MedGen C0265210, MONDO:0010193, OMIM 277590.

Allele frequency attached by ClinVar (database versions not stated): TOPMed 0.00002; gnomAD 0.00003 and 0.00004; gnomAD exomes 0.00006 and 0.00007; ExAC 0.00008; ESP Exome Variant Server 0.00008.
gnomAD v4.1: 111 of 1,612,768 alleles (0.0069%); highest among the groups gnomAD compares: East Asian, 0.2%; no homozygotes.

Submissions (4):

Labcorp Genetics (formerly Invitae), Labcorp
Classification: Likely benign for Weaver syndrome. Last evaluated: 2025-12-03. Review status: criteria provided, single submitter. Criteria: Invitae Variant Classification Sherloc (09022015). Collection method: clinical testing. Allele origin: germline.

Blueprint Genetics
Classification: Likely benign. Last evaluated: 2023-10-18. Review status: criteria provided, single submitter. Criteria: ACMG Guidelines, 2015. Collection method: clinical testing. Allele origin: germline.

GeneDx
Classification: Likely benign. Last evaluated: 2020-12-07. Review status: criteria provided, single submitter. Criteria: GeneDx Variant Classification Process June 2021. Collection method: clinical testing. Allele origin: germline. Affected: yes.

PreventionGenetics, part of Exact Sciences
Classification: Likely benign for EZH2-related condition. Last evaluated: 2022-07-06. Review status: no assertion criteria provided. Collection method: clinical testing. Allele origin: germline. Not counted in ClinVar's aggregate classification.
Comment: This variant is classified as likely benign based on ACMG/AMP sequence variant interpretation guidelines (Richards et al. 2015 PMID: 25741868, with internal and published modifications).